The following is an entry in ClinVar:

NM_001291867.2(NHS):c.372dup (p.Cys125fs)

Gene: NHS (NHS actin remodeling regulator; plus strand). Cytogenetic location: Xp22.2.
Variant type: Duplication.
Coding change: c.372dup on transcript NM_001291867.2 (MANE Select); coding-DNA position 372, one base duplicated (A; older notation c.372dupA).
Protein change: p.Cys125fs; shifts the reading frame from cysteine 125.
Molecular consequence: frameshift variant.
Genome position (GRCh38, 1-based): chrX:17,376,129, A duplicated. VCF-style (leftmost placement, unchanged base first): chrX-17376128-T-TA. GRCh37 (hg19) VCF-style: chrX-17394251-T-TA.
Other names: c.372dup, p.Cys125fs (NM_198270.4); short protein forms C125fs.
Identifiers: ClinVar variation 2766965 (VCV002766965.3), dbSNP rs2519620235, ClinGen allele CA2697552870.

ClinVar aggregate classification (germline): Pathogenic (1 of 4 stars; one submission).

Conditions:
Nance-Horan syndrome (NHS). Identifiers: Orphanet 627, MedGen C0796085, MONDO:0010545, OMIM 302350.

Submission:

Labcorp Genetics (formerly Invitae), Labcorp
Classification: Pathogenic for Nance-Horan syndrome. Last evaluated: 2023-10-08. Review status: criteria provided, single submitter. Criteria: Invitae Variant Classification Sherloc (09022015). Collection method: clinical testing. Allele origin: germline.
Comment: This sequence change creates a premature translational stop signal (p.Cys125Metfs*58) in the NHS gene. It is expected to result in an absent or disrupted protein product. Loss-of-function variants in NHS are known to be pathogenic (PMID: 14564667, 19414485). This variant is not present in population databases (gnomAD no frequency). This variant has not been reported in the literature in individuals affected with NHS-related conditions. For these reasons, this variant has been classified as Pathogenic.

Literature cited by the submitters: PubMed 14564667; PubMed 19414485.